The following is an entry in ClinVar:

ClinVar aggregate classification (germline): Benign (1 of 4 stars; one submission).

Allele frequency attached by ClinVar (database versions not stated): ExAC 0.00010; 1000 Genomes Project 30x 0.00078; gnomAD 0.00139; gnomAD exomes 0.00162.
gnomAD v4.1: 2,549 of 1,607,940 alleles (0.16%); highest among the groups gnomAD compares: South Asian, 0.27%; 12 homozygotes.

Submission:

CeGaT Center for Human Genetics Tuebingen
Classification: Benign. Last evaluated: 2022-07-01. Review status: criteria provided, single submitter. Criteria: CeGaT Center For Human Genetics Tuebingen Variant Classification Criteria Version 2. Collection method: clinical testing. Allele origin: germline. Affected: yes. Observed: 2 variant alleles.
Comment: AHNAK2: BS1, BS2

NM_138420.4(AHNAK2):c.12381T>A (p.Thr4127=)

Gene: AHNAK2 (AHNAK nucleoprotein 2; minus strand). Cytogenetic location: 14q32.33.
Variant type: single nucleotide variant.
Coding change: c.12381T>A on transcript NM_138420.4 (MANE Select); coding-DNA position 12381, T replaced by A.
Protein change: p.Thr4127=; no amino-acid change (threonine 4127 retained).
Molecular consequence: synonymous variant.
Genome position (GRCh38, 1-based): chr14:104,943,070, A>T on the plus strand (T>A on the coding strand, the complement: AHNAK2 is on the minus strand). VCF-style: chr14-104943070-A-T. GRCh37 (hg19) VCF-style: chr14-105409407-A-T.
Other names: c.12081T>A, p.Thr4027= (NM_001350929.2).
Identifiers: ClinVar variation 2644643 (VCV002644643.24), dbSNP rs746500378, ClinGen allele CA7378363.